The following is an entry in ClinVar:

NM_000254.3(MTR):c.2594+3A>G

Gene: MTR (5-methyltetrahydrofolate-homocysteine methyltransferase; plus strand). Cytogenetic location: 1q43.
Variant type: single nucleotide variant.
Coding change: c.2594+3A>G on transcript NM_000254.3 (MANE Select); 3 bases into the intron after coding-DNA position 2594, A replaced by G.
Molecular consequence: intron variant.
Genome position (GRCh38, 1-based): chr1:236,874,849, A>G. VCF-style: chr1-236874849-A-G. GRCh37 (hg19) VCF-style: chr1-237038149-A-G.
Other names: c.2441+3A>G (NM_001291939.1); c.1373+3A>G (NM_001291940.2).
Identifiers: ClinVar variation 1461394 (VCV001461394.1), dbSNP rs757969059, ClinGen allele CA1474440.

ClinVar aggregate classification (germline): Uncertain significance (1 of 4 stars; one submission).

Conditions:
Methylcobalamin deficiency type cblG (HMAG). Also called: HOMOCYSTINURIA-MEGALOBLASTIC ANEMIA, cblG TYPE; HOMOCYSTINURIA-MEGALOBLASTIC ANEMIA, cblG COMPLEMENTATION TYPE; Functional methionine synthase deficiency type cblG; HOMOCYSTINURIA-MEGALOBLASTIC ANEMIA DUE TO DEFECT IN COBALAMIN METABOLISM, cblG COMPLEMENTATION TYPE. Identifiers: Orphanet 2170, Orphanet 622, MedGen C1855128, MONDO:0009609, OMIM 250940.

Allele frequency attached by ClinVar (database versions not stated): gnomAD exomes 0.00001; ExAC 0.00002.
gnomAD v4.1: 4 of 1,613,750 alleles (0.00025%); no homozygotes.

Submission:

Labcorp Genetics (formerly Invitae), Labcorp
Classification: Uncertain significance for Methylcobalamin deficiency type cblG. Last evaluated: 2021-06-03. Review status: criteria provided, single submitter. Criteria: Invitae Variant Classification Sherloc (09022015). Collection method: clinical testing. Allele origin: germline.
Comment: This sequence change falls in intron 24 of the MTR gene. It does not directly change the encoded amino acid sequence of the MTR protein. It affects a nucleotide within the consensus splice site of the intron. This variant is present in population databases (rs757969059, ExAC 0.03%). This variant has not been reported in the literature in individuals with MTR-related conditions. Nucleotide substitutions within the consensus splice site are a relatively common cause of aberrant splicing (PMID: 17576681, 9536098). Algorithms developed to predict the effect of sequence changes on RNA splicing suggest that this variant is not likely to affect RNA splicing, but this prediction has not been confirmed by published transcriptional studies. In summary, the available evidence is currently insufficient to determine the role of this variant in disease. Therefore, it has been classified as a Variant of Uncertain Significance.

Literature cited by the submitters: PubMed 17576681; PubMed 9536098.